The following is an entry in ClinVar:

NM_002941.4(ROBO1):c.118C>T (p.His40Tyr)

Gene: ROBO1 (roundabout guidance receptor 1; minus strand). Cytogenetic location: 3p12.3.
Variant type: single nucleotide variant.
Coding change: c.118C>T on transcript NM_002941.4 (MANE Select); coding-DNA position 118, C replaced by T.
Protein change: p.His40Tyr; replaces histidine 40 with tyrosine.
Molecular consequence: missense variant.
Genome position (GRCh38, 1-based): chr3:79,125,510, G>A on the plus strand (C>T on the coding strand, the complement: ROBO1 is on the minus strand). VCF-style: chr3-79125510-G-A. GRCh37 (hg19) VCF-style: chr3-79174660-G-A.
Other names: c.118C>T (NM_002941.3); short protein forms H40Y.
Identifiers: ClinVar variation 3710726 (VCV003710726.3).

ClinVar aggregate classification (germline): Uncertain significance. Review status: criteria provided, multiple submitters, no conflicts (2 of 4 stars). 2 submissions from 2 submitters: Uncertain significance (2). Last evaluated 2024-12-28.

Conditions:
ROBO1-related disorder. Also called: ROBO1-related condition.

gnomAD v4.1: 42 of 1,613,614 alleles (0.0026%); highest among the groups gnomAD compares: African/African-American, 0.049%; no homozygotes.

Submissions (2):

PreventionGenetics, part of Exact Sciences
Classification: Uncertain significance for ROBO1-related condition. Last evaluated: 2024-12-28. Review status: criteria provided, single submitter. Criteria: ACMG Guidelines, 2015. Collection method: clinical testing. Allele origin: germline.
Comment: The ROBO1 c.118C>T variant is predicted to result in the amino acid substitution p.His40Tyr. To our knowledge, this variant has not been reported in the literature. This variant is reported in 0.041% of alleles in individuals of African descent in gnomAD. At this time, the clinical significance of this variant is uncertain due to the absence of conclusive functional and genetic evidence.

Labcorp Genetics (formerly Invitae), Labcorp
Classification: Uncertain significance. Last evaluated: 2024-02-22. Review status: criteria provided, single submitter. Criteria: Invitae Variant Classification Sherloc (09022015). Collection method: clinical testing. Allele origin: germline.
Comment: This sequence change replaces histidine, which is basic and polar, with tyrosine, which is neutral and polar, at codon 40 of the ROBO1 protein (p.His40Tyr). This variant is present in population databases (rs182144791, gnomAD 0.04%). This variant has not been reported in the literature in individuals affected with ROBO1-related conditions. Advanced modeling of protein sequence and biophysical properties (such as structural, functional, and spatial information, amino acid conservation, physicochemical variation, residue mobility, and thermodynamic stability) performed at Invitae indicates that this missense variant is not expected to disrupt ROBO1 protein function with a negative predictive value of 95%. In summary, the available evidence is currently insufficient to determine the role of this variant in disease. Therefore, it has been classified as a Variant of Uncertain Significance.